The following is an entry in ClinVar:

NM_004336.5(BUB1):c.823T>G (p.Tyr275Asp)

Gene: BUB1 (BUB1 mitotic checkpoint serine/threonine kinase; minus strand). Cytogenetic location: 2q13.
Variant type: single nucleotide variant.
Coding change: c.823T>G on transcript NM_004336.5 (MANE Select); coding-DNA position 823, T replaced by G.
Protein change: p.Tyr275Asp; replaces tyrosine 275 with aspartic acid.
Molecular consequence: missense variant.
Genome position (GRCh38, 1-based): chr2:110,666,397, A>C on the plus strand (T>G on the coding strand, the complement: BUB1 is on the minus strand). VCF-style: chr2-110666397-A-C. GRCh37 (hg19) VCF-style: chr2-111423974-A-C.
Other names: c.763T>G, p.Tyr255Asp (NM_001278616.2); c.823T>G, p.Tyr275Asp (NM_001278617.2); short protein forms Y255D, Y275D.
Identifiers: ClinVar variation 1762591 (VCV001762591.2), dbSNP rs2468026113, ClinGen allele CA348216987.

ClinVar aggregate classification (germline): Uncertain significance (1 of 4 stars; one submission).

Submission:

Ambry Genetics
Classification: Uncertain significance. Last evaluated: 2022-06-14. Review status: criteria provided, single submitter. Criteria: Ambry Variant Classification Scheme 2023. Collection method: clinical testing. Allele origin: germline.
Comment: The p.Y275D variant (also known as c.823T>G), located in coding exon 9 of the BUB1 gene, results from a T to G substitution at nucleotide position 823. The tyrosine at codon 275 is replaced by aspartic acid, an amino acid with highly dissimilar properties. This amino acid position is conserved. In addition, the in silico prediction for this alteration is inconclusive. Since supporting evidence is limited at this time, the clinical significance of this alteration remains unclear.